The following is an entry in ClinVar:

NM_004415.4(DSP):c.8005C>T (p.Leu2669=)

Gene: DSP (desmoplakin; plus strand). Cytogenetic location: 6p24.3.
Variant type: single nucleotide variant.
Coding change: c.8005C>T on transcript NM_004415.4 (MANE Select); coding-DNA position 8005, C replaced by T.
Protein change: p.Leu2669=; no amino-acid change (leucine 2669 retained).
Molecular consequence: synonymous variant.
Genome position (GRCh38, 1-based): chr6:7,585,267, C>T. VCF-style: chr6-7585267-C-T. GRCh37 (hg19) VCF-style: chr6-7585500-C-T.
Other names: c.6208C>T, p.Leu2070= (NM_001008844.3); c.6676C>T, p.Leu2226= (NM_001319034.2).
Identifiers: ClinVar variation 2775372 (VCV002775372.2), dbSNP rs2533949060, ClinGen allele CA448716605.

ClinVar aggregate classification (germline): Uncertain significance (1 of 4 stars; one submission).

Conditions:
Cardiomyopathy (CMYO). Also called: Cardiomyopathies. Identifiers: Orphanet 167848, MedGen C0878544, MONDO:0004994, HP:0001638. Inheritance: Various modes of inheritance.

Allele frequency attached by ClinVar (database versions not stated): gnomAD exomes below 0.00001.

Submission:

Color Diagnostics, LLC DBA Color Health
Classification: Uncertain significance for Cardiomyopathy. Last evaluated: 2022-12-13. Review status: criteria provided, single submitter. Criteria: ACMG Guidelines, 2015. Collection method: clinical testing. Allele origin: germline.
Comment: This variant is located in the DSP protein. To our knowledge, functional studies have not been reported for this variant. This variant has not been reported in individuals affected with DSP-related disorders in the literature. This variant has not been identified in the general population by the Genome Aggregation Database (gnomAD). The available evidence is insufficient to determine the role of this variant in disease conclusively. Therefore, this variant is classified as a Variant of Uncertain Significance.